The following is an entry in ClinVar:

NM_014727.3(KMT2B):c.3128C>T (p.Pro1043Leu)

Gene: KMT2B (lysine methyltransferase 2B; plus strand). Cytogenetic location: 19q13.12.
Variant type: single nucleotide variant.
Coding change: c.3128C>T on transcript NM_014727.3 (MANE Select); coding-DNA position 3128, C replaced by T.
Protein change: p.Pro1043Leu; replaces proline 1043 with leucine.
Molecular consequence: missense variant.
Genome position (GRCh38, 1-based): chr19:35,723,801, C>T. VCF-style: chr19-35723801-C-T. GRCh37 (hg19) VCF-style: chr19-36214702-C-T.
Other names: short protein forms P1043L.
Identifiers: ClinVar variation 3781157 (VCV003781157.1).

ClinVar aggregate classification (germline): Uncertain significance (1 of 4 stars; one submission).

Submission:

GeneDx
Classification: Uncertain significance. Last evaluated: 2024-10-17. Review status: criteria provided, single submitter. Criteria: GeneDx Variant Classification Process June 2021. Collection method: clinical testing. Allele origin: germline. Affected: yes.
Comment: Not observed at significant frequency in large population cohorts (gnomAD); In silico analysis supports that this missense variant has a deleterious effect on protein structure/function; Has not been previously published as pathogenic or benign to our knowledge